The following is an entry in ClinVar:

NM_001367949.2(FAT3):c.5162G>A (p.Gly1721Glu)

Gene: FAT3 (FAT atypical cadherin 3; plus strand). Cytogenetic location: 11q14.3.
Variant type: single nucleotide variant.
Coding change: c.5162G>A on transcript NM_001367949.2 (MANE Select); coding-DNA position 5162, G replaced by A.
Protein change: p.Gly1721Glu; replaces glycine 1721 with glutamic acid.
Molecular consequence: missense variant.
Genome position (GRCh38, 1-based): chr11:92,798,175, G>A. VCF-style: chr11-92798175-G-A. GRCh37 (hg19) VCF-style: chr11-92531341-G-A.
Other names: c.5162G>A, p.Gly1721Glu (NM_001008781.3); short protein forms G1721E.
Identifiers: ClinVar variation 3897759 (VCV003897759.1).

ClinVar aggregate classification (oncogenicity): Uncertain significance (1 of 4 stars; one submission).

Conditions:
Meningioma. Also called: Meningioma, somatic. Identifiers: Orphanet 2495, MedGen C0025286, MONDO:0016642, HP:0002858.

Submission:

Dr. Guy Rouleau's laboratory, McGill University
Classification: Uncertain significance for Meningioma. Last evaluated: 2025-03-30. Review status: criteria provided, single submitter. Criteria: ClinGen/CGC/VICC Guidelines for Oncogenicity, 2022. Collection method: research. Allele origin: somatic. Affected: yes.
Comment: This missense variant, located at position 1721 in the EXTL3 gene, results in a substitution of Glycine (G), a neutral and non-polar amino acid, with Glutamic acid (E), an acidic amino acid. This somatic variant was identified in a paired tumor-blood sequencing study of meningiomas. It has not been reported in population databases (gnomAD v2.1.1: no frequency). Due to insufficient evidence, the clinical significance of this variant remains unknown.